The following is an entry in ClinVar:

NM_001384474.1(LOXHD1):c.4663G>T (p.Glu1555Ter)

Gene: LOXHD1 (lipoxygenase homology PLAT domains 1; minus strand). Cytogenetic location: 18q21.1.
Variant type: single nucleotide variant.
Coding change: c.4663G>T on transcript NM_001384474.1 (MANE Select); coding-DNA position 4663, G replaced by T.
Protein change: p.Glu1555Ter; replaces glutamic acid 1555 with a stop codon.
Molecular consequence: nonsense.
Genome position (GRCh38, 1-based): chr18:46,524,785, C>A on the plus strand (G>T on the coding strand, the complement: LOXHD1 is on the minus strand). VCF-style: chr18-46524785-C-A. GRCh37 (hg19) VCF-style: chr18-44104748-C-A.
Other names: c.1330G>T, p.Glu444Ter (NM_001145472.3); c.1042G>T, p.Glu348Ter (NM_001308013.2); c.4663G>T, p.Glu1555Ter (NM_144612.7); c.4663G>T (NM_144612.6); short protein forms E348*, E1555*, E444*.
Identifiers: ClinVar variation 1395402 (VCV001395402.7), dbSNP rs1164686618, ClinGen allele CA402373278.

ClinVar aggregate classification (germline): Pathogenic/Likely pathogenic. Review status: criteria provided, multiple submitters, no conflicts (2 of 4 stars). 2 submissions from 2 submitters: Pathogenic (1); Likely pathogenic (1). Last evaluated 2024-03-20.

Conditions:
Autosomal recessive nonsyndromic hearing loss 77. Identifiers: Orphanet 90636, MedGen C2746083, MONDO:0013119, OMIM 613079.

gnomAD v4.1: 4 of 1,551,654 alleles (0.00026%); highest among the groups gnomAD compares: East Asian, 0.0024%; no homozygotes.

Submissions (2):

Natera, Inc.
Classification: Likely pathogenic for Autosomal recessive deafness type 77. Last evaluated: 2024-03-20. Review status: criteria provided, single submitter. Criteria: Natera Variant Classification Schema (03/2026). Collection method: clinical testing. Allele origin: germline.
Comment: The c.4663G>T variant in LOXHD1 is a nonsense variant predicted to introduce a stop codon at amino acid 1555. This variant is expected to result in nonsense mediated decay, truncation, or a dysfunctional protein product. This variant is rare in the general population with a frequency below the threshold expected for the associated phenotype(s). Given the available evidence, this variant is classified as Likely Pathogenic.

Labcorp Genetics (formerly Invitae), Labcorp
Classification: Pathogenic. Last evaluated: 2023-08-31. Review status: criteria provided, single submitter. Criteria: Invitae Variant Classification Sherloc (09022015). Collection method: clinical testing. Allele origin: germline.
Comment: For these reasons, this variant has been classified as Pathogenic. ClinVar contains an entry for this variant (Variation ID: 1395402). This variant has not been reported in the literature in individuals affected with LOXHD1-related conditions. This variant is present in population databases (no rsID available, gnomAD 0.002%). This sequence change creates a premature translational stop signal (p.Glu1555*) in the LOXHD1 gene. It is expected to result in an absent or disrupted protein product. Loss-of-function variants in LOXHD1 are known to be pathogenic (PMID: 19732867, 21465660, 25792669).

Literature cited by the submitters: PubMed 19732867 (cited by Labcorp Genetics (formerly Invitae), Labcorp); PubMed 21465660 (cited by Labcorp Genetics (formerly Invitae), Labcorp); PubMed 25792669 (cited by Labcorp Genetics (formerly Invitae), Labcorp).